The following is an entry in ClinVar:

ClinVar aggregate classification (germline): Uncertain significance (1 of 4 stars; one submission).

Conditions:
Familial cold autoinflammatory syndrome 2 (FCAS2). Identifiers: Orphanet 247868, MedGen C2673198, MONDO:0012724, OMIM 611762.

Allele frequency attached by ClinVar (database versions not stated): TOPMed below 0.00001.
gnomAD v4.1: 17 of 1,614,092 alleles (0.0011%); highest among the groups gnomAD compares: East Asian, 0.0022%; no homozygotes.

Submission:

Labcorp Genetics (formerly Invitae), Labcorp
Classification: Uncertain significance for Familial cold autoinflammatory syndrome 2. Last evaluated: 2020-04-06. Review status: criteria provided, single submitter. Criteria: Invitae Variant Classification Sherloc (09022015). Collection method: clinical testing. Allele origin: germline.
Comment: In summary, the available evidence is currently insufficient to determine the role of this variant in disease. Therefore, it has been classified as a Variant of Uncertain Significance. This sequence change replaces isoleucine with valine at codon 250 of the NLRP12 protein (p.Ile250Val). The isoleucine residue is highly conserved and there is a small physicochemical difference between isoleucine and valine. This variant is not present in population databases (ExAC no frequency). This variant has not been reported in the literature in individuals with NLRP12-related conditions. Algorithms developed to predict the effect of missense changes on protein structure and function output the following: SIFT: "Tolerated"; PolyPhen-2: "Benign"; Align-GVGD: "Class C0". The valine amino acid residue is found in multiple mammalian species, suggesting that this missense change does not adversely affect protein function. These predictions have not been confirmed by published functional studies and their clinical significance is uncertain.

NM_144687.4(NLRP12):c.748A>G (p.Ile250Val)

Gene: NLRP12 (NLR family pyrin domain containing 12; minus strand). Cytogenetic location: 19q13.42.
Variant type: single nucleotide variant.
Coding change: c.748A>G on transcript NM_144687.4 (MANE Select); coding-DNA position 748, A replaced by G.
Protein change: p.Ile250Val; replaces isoleucine 250 with valine.
Molecular consequence: missense variant.
Genome position (GRCh38, 1-based): chr19:53,810,911, T>C on the plus strand (A>G on the coding strand, the complement: NLRP12 is on the minus strand). VCF-style: chr19-53810911-T-C. GRCh37 (hg19) VCF-style: chr19-54314165-T-C.
Other names: c.748A>G, p.Ile250Val (NM_001277126.2, NM_001277129.1); short protein forms I250V.
Identifiers: ClinVar variation 1058264 (VCV001058264.9), dbSNP rs2092061524, ClinGen allele CA407415895.